The following is an entry in ClinVar:

NM_001011547.3(SLC5A9):c.1837+10G>A

Gene: SLC5A9 (solute carrier family 5 member 9; plus strand). Cytogenetic location: 1p33.
Variant type: single nucleotide variant.
Coding change: c.1837+10G>A on transcript NM_001011547.3 (MANE Select); 10 bases into the intron after coding-DNA position 1837, G replaced by A.
Molecular consequence: intron variant.
Genome position (GRCh38, 1-based): chr1:48,242,626, G>A. VCF-style: chr1-48242626-G-A. GRCh37 (hg19) VCF-style: chr1-48708298-G-A.
Other names: c.1912+10G>A (NM_001135181.2).
Identifiers: ClinVar variation 3037694 (VCV003037694.2), dbSNP rs201538067, ClinGen allele CA844037.

ClinVar aggregate classification (germline): Likely benign (0 of 4 stars; one submission).

Conditions:
SLC5A9-related disorder. Also called: SLC5A9-related condition.

Allele frequency attached by ClinVar (database versions not stated): 1000 Genomes Project 0.00040; 1000 Genomes Project 30x 0.00047; ESP Exome Variant Server 0.00069; ExAC 0.00083; TOPMed 0.00100; gnomAD 0.00102; gnomAD exomes 0.00116.
gnomAD v4.1: 1,828 of 1,602,314 alleles (0.11%); highest among the groups gnomAD compares: Non-Finnish European, 0.15%; no homozygotes.

Submission:

PreventionGenetics, part of Exact Sciences
Classification: Likely benign for SLC5A9-related condition. Last evaluated: 2019-05-03. Review status: no assertion criteria provided. Collection method: clinical testing. Allele origin: germline.
Comment: This variant is classified as likely benign based on ACMG/AMP sequence variant interpretation guidelines (Richards et al. 2015 PMID: 25741868, with internal and published modifications).